The following is an entry in ClinVar:

ClinVar aggregate classification (germline): Uncertain significance (1 of 4 stars; one submission).

Submission:

Labcorp Genetics (formerly Invitae), Labcorp
Classification: Uncertain significance. Last evaluated: 2024-03-01. Review status: criteria provided, single submitter. Criteria: Invitae Variant Classification Sherloc (09022015). Collection method: clinical testing. Allele origin: germline.
Comment: This sequence change replaces lysine, which is basic and polar, with asparagine, which is neutral and polar, at codon 34 of the RP2 protein (p.Lys34Asn). This variant also falls at the last nucleotide of exon 1, which is part of the consensus splice site for this exon. This variant is not present in population databases (gnomAD no frequency). This variant has not been reported in the literature in individuals affected with RP2-related conditions. An algorithm developed to predict the effect of missense changes on protein structure and function (PolyPhen-2) suggests that this variant is likely to be tolerated. Variants that disrupt the consensus splice site are a relatively common cause of aberrant splicing (PMID: 17576681, 9536098). Algorithms developed to predict the effect of sequence changes on RNA splicing suggest that this variant may disrupt the consensus splice site. In summary, the available evidence is currently insufficient to determine the role of this variant in disease. Therefore, it has been classified as a Variant of Uncertain Significance.

Literature cited by the submitters: PubMed 17576681; PubMed 9536098.

NM_006915.3(RP2):c.102G>C (p.Lys34Asn)

Gene: RP2 (RP2 activator of ARL3 GTPase; plus strand). Cytogenetic location: Xp11.3.
Variant type: single nucleotide variant.
Coding change: c.102G>C on transcript NM_006915.3 (MANE Select); coding-DNA position 102, G replaced by C.
Protein change: p.Lys34Asn; replaces lysine 34 with asparagine.
Molecular consequence: missense variant.
Genome position (GRCh38, 1-based): chrX:46,837,202, G>C. VCF-style: chrX-46837202-G-C. GRCh37 (hg19) VCF-style: chrX-46696637-G-C.
Other names: short protein forms K34N.
Identifiers: ClinVar variation 3643849 (VCV003643849.2).